The following is an entry in ClinVar:

NM_001288705.3(CSF1R):c.871A>G (p.Met291Val)

Gene: CSF1R (colony stimulating factor 1 receptor; minus strand). Cytogenetic location: 5q32.
Variant type: single nucleotide variant.
Coding change: c.871A>G on transcript NM_001288705.3 (MANE Select); coding-DNA position 871, A replaced by G.
Protein change: p.Met291Val; replaces methionine 291 with valine.
Molecular consequence: missense variant. On other transcripts: non-coding transcript variant (2).
Genome position (GRCh38, 1-based): chr5:150,077,294, T>C on the plus strand (A>G on the coding strand, the complement: CSF1R is on the minus strand). VCF-style: chr5-150077294-T-C. GRCh37 (hg19) VCF-style: chr5-149456857-T-C.
Other names: c.871A>G, p.Met291Val (NM_001349736.2, NM_001375320.1, NM_005211.4); c.427A>G, p.Met143Val (NM_001375321.1); short protein forms M143V, M291V.
Identifiers: ClinVar variation 1376951 (VCV001376951.6), dbSNP rs777544184, ClinGen allele CA129074956.

ClinVar aggregate classification (germline): Uncertain significance (1 of 4 stars; one submission).

Submission:

Labcorp Genetics (formerly Invitae), Labcorp
Classification: Uncertain significance. Last evaluated: 2022-06-28. Review status: criteria provided, single submitter. Criteria: Invitae Variant Classification Sherloc (09022015). Collection method: clinical testing. Allele origin: germline.
Comment: This sequence change replaces methionine, which is neutral and non-polar, with valine, which is neutral and non-polar, at codon 291 of the CSF1R protein (p.Met291Val). This variant is not present in population databases (gnomAD no frequency). This variant has not been reported in the literature in individuals affected with CSF1R-related conditions. Advanced modeling of protein sequence and biophysical properties (such as structural, functional, and spatial information, amino acid conservation, physicochemical variation, residue mobility, and thermodynamic stability) performed at Invitae indicates that this missense variant is not expected to disrupt CSF1R protein function. In summary, the available evidence is currently insufficient to determine the role of this variant in disease. Therefore, it has been classified as a Variant of Uncertain Significance.